The following is an entry in ClinVar:

NM_004595.5(SMS):c.311G>A (p.Ser104Asn)

Gene: SMS (spermine synthase; plus strand). Cytogenetic location: Xp22.11.
Variant type: single nucleotide variant.
Coding change: c.311G>A on transcript NM_004595.5 (MANE Select); coding-DNA position 311, G replaced by A.
Protein change: p.Ser104Asn; replaces serine 104 with asparagine.
Molecular consequence: missense variant. On other transcripts: intron variant (1).
Genome position (GRCh38, 1-based): chrX:21,972,553, G>A. VCF-style: chrX-21972553-G-A. GRCh37 (hg19) VCF-style: chrX-21990671-G-A.
Other names: c.171-4508G>A (NM_001258423.2); short protein forms S104N.
Identifiers: ClinVar variation 4851818 (VCV004851818.1).

ClinVar aggregate classification (germline): Uncertain significance (1 of 4 stars; one submission).

Submission:

Dasa
Classification: Uncertain significance. Last evaluated: 2025-08-20. Review status: criteria provided, single submitter. Criteria: DASA Assertion Criteria. Collection method: clinical testing. Allele origin: germline.
Comment: NM_004595.5(SMS):c.311G>A (p.Ser104Asn) is a missense variant that results in the substitution of serine with asparagine. Segregation evidence has been reported in affected families. The variant is present at low frequency in population datasets. Based on the available data, this variant is classified as variant of uncertain significance.